The following is an entry in ClinVar:

ClinVar aggregate classification (germline): Likely benign (1 of 4 stars; one submission).

Submission:

CeGaT Center for Human Genetics Tuebingen
Classification: Likely benign. Last evaluated: 2023-08-01. Review status: criteria provided, single submitter. Criteria: CeGaT Center For Human Genetics Tuebingen Variant Classification Criteria Version 2. Collection method: clinical testing. Allele origin: germline. Affected: yes. Observed: 1 variant allele.
Comment: NLRP3: PM2:Supporting, BP4, BP7

NM_001243133.2(NLRP3):c.843A>C (p.Pro281=)

Gene: NLRP3 (NLR family pyrin domain containing 3; plus strand). Cytogenetic location: 1q44.
Variant type: single nucleotide variant.
Coding change: c.843A>C on transcript NM_001243133.2 (MANE Select); coding-DNA position 843, A replaced by C.
Protein change: p.Pro281=; no amino-acid change (proline 281 retained).
Molecular consequence: synonymous variant.
Genome position (GRCh38, 1-based): chr1:247,424,292, A>C. VCF-style: chr1-247424292-A-C. GRCh37 (hg19) VCF-style: chr1-247587594-A-C.
Other names: c.843A>C, p.Pro281= (NM_001079821.3, NM_001127461.3, NM_001127462.3 and 1 more transcripts); c.849A>C, p.Pro283= (NM_004895.5).
Identifiers: ClinVar variation 2640242 (VCV002640242.24), dbSNP rs2103107481, ClinGen allele CA424573327.